The following is an entry in ClinVar:

NM_022124.6(CDH23):c.7558G>A (p.Glu2520Lys)

Gene: CDH23 (cadherin related 23; plus strand). Cytogenetic location: 10q22.1.
Variant type: single nucleotide variant.
Coding change: c.7558G>A on transcript NM_022124.6 (MANE Select); coding-DNA position 7558, G replaced by A.
Protein change: p.Glu2520Lys; replaces glutamic acid 2520 with lysine.
Molecular consequence: missense variant.
Genome position (GRCh38, 1-based): chr10:71,802,973, G>A. VCF-style: chr10-71802973-G-A. GRCh37 (hg19) VCF-style: chr10-73562730-G-A.
Other names: c.838G>A, p.Glu280Lys (NM_001171933.1, NM_001171934.1); short protein forms E280K, E2520K.
Identifiers: ClinVar variation 2191926 (VCV002191926.5), dbSNP rs1841599143, ClinGen allele CA377160600.
Genomic context (GRCh38, chr10:71,802,973, plus strand): 5'-CTGGATGTCAATGACTGCCGGCCACAGTTCTCCAAGCCCCAGTTCAGCACAAGCGTGTAT[G>A]AGAATGAGCCGGCGGGCACCTCGGTCATCACCATGATGGCCACTGACCAGGATGAAGGTC-3'
Protein context (NP_071407.4, residues 2510-2530): SKPQFSTSVY[Glu2520Lys]NEPAGTSVIT

ClinVar aggregate classification (germline): Likely pathogenic. Review status: criteria provided, multiple submitters, no conflicts (2 of 4 stars). 2 submissions from 2 submitters: Likely pathogenic (2). Last evaluated 2024-07-13.

Conditions:
Pituitary adenoma 5, multiple types. Identifiers: MedGen C4539685, MONDO:0054601, OMIM 617540.

Allele frequency attached by ClinVar (database versions not stated): gnomAD exomes below 0.00001; TOPMed below 0.00001.
gnomAD v4.1: 5 of 1,614,032 alleles (0.00031%); highest among the groups gnomAD compares: Non-Finnish European, 0.00034%; no homozygotes.

Submissions (2):

Labcorp Genetics (formerly Invitae), Labcorp
Classification: Likely pathogenic. Last evaluated: 2024-07-13. Review status: criteria provided, single submitter. Criteria: Invitae Variant Classification Sherloc (09022015). Collection method: clinical testing. Allele origin: germline.
Comment: This sequence change replaces glutamic acid, which is acidic and polar, with lysine, which is basic and polar, at codon 2520 of the CDH23 protein (p.Glu2520Lys). This variant is not present in population databases (gnomAD no frequency). This missense change has been observed in individual(s) with CDH23-related conditions (PMID: 32467589; Invitae). ClinVar contains an entry for this variant (Variation ID: 2191926). Advanced modeling of protein sequence and biophysical properties (such as structural, functional, and spatial information, amino acid conservation, physicochemical variation, residue mobility, and thermodynamic stability) has been performed at Invitae for this missense variant, however the output from this modeling did not meet the statistical confidence thresholds required to predict the impact of this variant on CDH23 protein function. In summary, the currently available evidence indicates that the variant is pathogenic, but additional data are needed to prove that conclusively. Therefore, this variant has been classified as Likely Pathogenic.

Baylor Genetics
Classification: Likely pathogenic for Pituitary adenoma 5, multiple types. Last evaluated: 2023-01-10. Review status: criteria provided, single submitter. Criteria: ACMG Guidelines, 2015. Collection method: clinical testing. Allele origin: unknown.

Literature cited by the submitters: PubMed 32467589 (cited by Labcorp Genetics (formerly Invitae), Labcorp).